The following is an entry in ClinVar:

NM_001001331.4(ATP2B2):c.178del (p.Leu60fs)

Gene: ATP2B2 (ATPase plasma membrane Ca2+ transporting 2; minus strand). Cytogenetic location: 3p25.3.
Variant type: Deletion.
Coding change: c.178del on transcript NM_001001331.4 (MANE Select); coding-DNA position 178, one base deleted (C; older notation c.178delC).
Protein change: p.Leu60fs; shifts the reading frame from leucine 60.
Molecular consequence: frameshift variant.
Genome position (GRCh38, 1-based): chr3:10,449,366, G deleted on the plus strand (C on the coding strand, the reverse complement: ATP2B2 is on the minus strand); the first of 2 consecutive G bases (chr3:10,449,366-10,449,367); deleting either gives the same sequence. VCF-style (leftmost placement, unchanged base first): chr3-10449365-AG-A. GRCh37 (hg19) VCF-style: chr3-10491049-AG-A.
Other names: c.178del, p.Leu60fs (NM_001330611.3, NM_001353564.1, NM_001363862.1 and 1 more transcripts); short protein forms L60fs.
Identifiers: ClinVar variation 2844808 (VCV002844808.3), dbSNP rs2471024175, ClinGen allele CA2739279954.

ClinVar aggregate classification (germline): Pathogenic (1 of 4 stars; one submission).

Submission:

Labcorp Genetics (formerly Invitae), Labcorp
Classification: Pathogenic. Last evaluated: 2023-03-18. Review status: criteria provided, single submitter. Criteria: Invitae Variant Classification Sherloc (09022015). Collection method: clinical testing. Allele origin: germline.
Comment: This sequence change creates a premature translational stop signal (p.Leu60Serfs*47) in the ATP2B2 gene. It is expected to result in an absent or disrupted protein product. Loss-of-function variants in ATP2B2 are known to be pathogenic (PMID: 30535804). This variant is not present in population databases (gnomAD no frequency). This variant has not been reported in the literature in individuals affected with ATP2B2-related conditions. For these reasons, this variant has been classified as Pathogenic.

Literature cited by the submitters: PubMed 30535804.